The following is an entry in ClinVar:

ClinVar aggregate classification (germline): Uncertain significance. Review status: criteria provided, multiple submitters, no conflicts (2 of 4 stars). 2 submissions from 2 submitters: Uncertain significance (2). Last evaluated 2025-10-29.

Conditions:
Inborn genetic diseases. Identifiers: MedGen C0950123, MeSH D030342.
Hyper-IgM syndrome type 1. Also called: Hyper-IgM Immunodeficiency Syndrome, Type 1; X-linked hyper-IgM syndrome; Immunodeficiency, X-linked, with hyper-IgM; CD40 Ligand Deficiency. Identifiers: Orphanet 101088, MedGen C0398689, MONDO:0010626, OMIM 308230.

Submissions (2):

Ambry Genetics
Classification: Uncertain significance for Inborn genetic diseases. Last evaluated: 2025-10-29. Review status: criteria provided, single submitter. Criteria: Ambry Variant Classification Scheme 2023. Collection method: clinical testing. Allele origin: germline.

Labcorp Genetics (formerly Invitae), Labcorp
Classification: Uncertain significance for Hyper-IgM syndrome type 1. Last evaluated: 2023-01-22. Review status: criteria provided, single submitter. Criteria: Invitae Variant Classification Sherloc (09022015). Collection method: clinical testing. Allele origin: germline.
Comment: In summary, the available evidence is currently insufficient to determine the role of this variant in disease. Therefore, it has been classified as a Variant of Uncertain Significance. Advanced modeling of protein sequence and biophysical properties (such as structural, functional, and spatial information, amino acid conservation, physicochemical variation, residue mobility, and thermodynamic stability) performed at Invitae indicates that this missense variant is not expected to disrupt CD40LG protein function. This variant has not been reported in the literature in individuals affected with CD40LG-related conditions. This variant is not present in population databases (gnomAD no frequency). This sequence change replaces isoleucine, which is neutral and non-polar, with valine, which is neutral and non-polar, at codon 223 of the CD40LG protein (p.Ile223Val).

NM_000074.3(CD40LG):c.667A>G (p.Ile223Val)

Gene: CD40LG (CD40 ligand; plus strand). Cytogenetic location: Xq26.3.
Variant type: single nucleotide variant.
Coding change: c.667A>G on transcript NM_000074.3 (MANE Select); coding-DNA position 667, A replaced by G.
Protein change: p.Ile223Val; replaces isoleucine 223 with valine.
Molecular consequence: missense variant.
Genome position (GRCh38, 1-based): chrX:136,659,296, A>G. VCF-style: chrX-136659296-A-G. GRCh37 (hg19) VCF-style: chrX-135741455-A-G.
Other names: short protein forms I223V.
Identifiers: ClinVar variation 2787934 (VCV002787934.4), dbSNP rs993299705, ClinGen allele CA414756400.
Genomic context (GRCh38, chrX:136,659,296, plus strand): 5'-AGAATCTTACTCAGAGCTGCAAATACCCACAGTTCCGCCAAACCTTGCGGGCAACAATCC[A>G]TTCACTTGGGAGGAGTATTTGAATTGCAACCAGGTGCTTCGGTGTTTGTCAATGTGACTG-3'
Protein context (NP_000065.1, residues 213-233): SSAKPCGQQS[Ile223Val]HLGGVFELQP